The following is an entry in ClinVar:

NM_007327.4(GRIN1):c.1092G>T (p.Val364=)

Gene: GRIN1 (glutamate ionotropic receptor NMDA type subunit 1; plus strand). Cytogenetic location: 9q34.3.
Variant type: single nucleotide variant.
Coding change: c.1092G>T on transcript NM_007327.4 (MANE Select); coding-DNA position 1092, G replaced by T.
Protein change: p.Val364=; no amino-acid change (valine 364 retained).
Molecular consequence: synonymous variant.
Genome position (GRCh38, 1-based): chr9:137,158,502, G>T. VCF-style: chr9-137158502-G-T. GRCh37 (hg19) VCF-style: chr9-140052954-G-T.
Other names: c.1092G>T, p.Val364= (NM_000832.7, NM_021569.4); c.1155G>T, p.Val385= (NM_001185090.2, NM_001185091.2, NM_001437330.1 and 1 more transcripts).
Identifiers: ClinVar variation 4823603 (VCV004823603.4).

ClinVar aggregate classification (germline): Likely benign (1 of 4 stars; one submission).

Submission:

CeGaT Center for Human Genetics Tuebingen
Classification: Likely benign. Last evaluated: 2026-03-01. Review status: criteria provided, single submitter. Criteria: CeGaT Center For Human Genetics Tuebingen Variant Classification Criteria Version 2. Collection method: clinical testing. Allele origin: germline. Affected: yes. Observed: 1 variant allele.
Comment: GRIN1: PM2:Supporting, BP4, BP7